The following is an entry in ClinVar:

NM_001365276.2(TNXB):c.5246_5254del (p.Arg1749_Gly1751del)

Gene: TNXB (tenascin XB; minus strand). Cytogenetic location: 6p21.33.
Variant type: Deletion.
Coding change: c.5246_5254del on transcript NM_001365276.2 (MANE Select); coding-DNA positions 5246 to 5254, 9 bases deleted (GCCATGGCC; older notation c.5246_5254delGCCATGGCC).
Protein change: p.Arg1749_Gly1751del.
Molecular consequence: inframe deletion.
Genome position (GRCh38, 1-based): chr6:32,070,151-32,070,159, GGCCATGGC deleted on the plus strand (GCCATGGCC on the coding strand, the reverse complement: TNXB is on the minus strand); deleting any 9 consecutive bases within chr6:32,070,151-32,070,160 gives the same sequence; the c. name uses the placement nearest the transcript's 3' end. VCF-style (leftmost placement, unchanged base first): chr6-32070150-GGGCCATGGC-G. GRCh37 (hg19) VCF-style: chr6-32037927-GGGCCATGGC-G.
Other names: c.5246_5254del, p.Arg1749_Gly1751del (NM_019105.8); c.5246_5254delGCCATGGCC (NM_019105.6).
Identifiers: ClinVar variation 1299026 (VCV001299026.36), dbSNP rs2151916743, ClinGen allele CA2499218211.
Genomic context (GRCh38, chr6:32,070,150, plus strand): 5'-GGGAGCAGAGCAGGGACCTGCAGGGAATGCCCCTCACCCGTGGTGCCGTCGGCAGTGAGA[GGGCCATGGC>G]GCTTCTTGCCCAGGAGGCCATAGAGGAGGAATCTGTACTTGCGGCCGGCATCCAGAGGGG-3'

ClinVar aggregate classification (germline): Uncertain significance. Review status: criteria provided, multiple submitters, no conflicts (2 of 4 stars). 2 submissions from 2 submitters: Uncertain significance (2). Last evaluated 2024-09-04.

Conditions:
Cardiovascular phenotype. Identifiers: MedGen CN230736.

Submissions (2):

Ambry Genetics
Classification: Uncertain significance for Cardiovascular phenotype. Last evaluated: 2024-09-04. Review status: criteria provided, single submitter. Criteria: Ambry Variant Classification Scheme 2023. Collection method: clinical testing. Allele origin: germline.
Comment: The c.5246_5254delGCCATGGCC variant (also known as p.R1749_G1751del) is located in coding exon 13 of the TNXB gene. This variant results from an in-frame GCCATGGCC deletion at nucleotide positions 5246 to 5254. This results in the in-frame deletion of the amino acids at codons 1749 to 1751. This amino acid positions are not well conserved in available vertebrate species. In addition, this alteration is predicted to be deleterious by in silico analysis (Choi Y et al. PLoS ONE. 2012; 7(10):e46688). Based on the available evidence, the clinical significance of this variant remains unclear.

CeGaT Center for Human Genetics Tuebingen
Classification: Uncertain significance. Last evaluated: 2021-09-01. Review status: criteria provided, single submitter. Criteria: CeGaT Center For Human Genetics Tuebingen Variant Classification Criteria Version 2. Collection method: clinical testing. Allele origin: germline. Affected: yes. Observed: 1 variant allele.